The following is an entry in ClinVar:

NM_133510.4(RAD51B):c.573-5T>C

Gene: RAD51B (RAD51 paralog B; plus strand). Cytogenetic location: 14q24.1.
Variant type: single nucleotide variant.
Coding change: c.573-5T>C on transcript NM_133510.4 (MANE Select); 5 bases into the intron before coding-DNA position 573, T replaced by C.
Molecular consequence: intron variant.
Genome position (GRCh38, 1-based): chr14:67,887,016, T>C. VCF-style: chr14-67887016-T-C. GRCh37 (hg19) VCF-style: chr14-68353733-T-C.
Other names: c.573-5T>C (NM_001321818.2, NM_001321809.2, NM_001321821.2 and 6 more transcripts); c.216-5T>C (NM_001321817.2); c.459-5T>C (NM_001321815.1).
Identifiers: ClinVar variation 5027756 (VCV005027756.1).

ClinVar aggregate classification (germline): Uncertain significance (1 of 4 stars; one submission).

Submission:

Ambry Genetics
Classification: Uncertain significance. Last evaluated: 2026-09-04. Review status: criteria provided, single submitter. Criteria: Ambry Variant Classification Scheme 2023. Collection method: clinical testing. Allele origin: germline.
Comment: The c.573-5T>C intronic variant results from a T to C substitution 5 nucleotides upstream from coding exon 6 in the RAD51B gene. This nucleotide position is well conserved in available vertebrate species. In silico splice site analysis predicts that this alteration will not have any significant effect on splicing. The evidence for this gene-disease relationship is limited; therefore, the clinical significance of this variant is unclear.